The following is an entry in ClinVar:

ClinVar aggregate classification (germline): Uncertain significance (1 of 4 stars; one submission).

Submission:

Labcorp Genetics (formerly Invitae), Labcorp
Classification: Uncertain significance. Last evaluated: 2023-04-01. Review status: criteria provided, single submitter. Criteria: Invitae Variant Classification Sherloc (09022015). Collection method: clinical testing. Allele origin: germline.
Comment: In summary, the available evidence is currently insufficient to determine the role of this variant in disease. Therefore, it has been classified as a Variant of Uncertain Significance. An algorithm developed to predict the effect of missense changes on protein structure and function (PolyPhen-2) suggests that this variant is likely to be disruptive. This variant has not been reported in the literature in individuals affected with RNF43-related conditions. This variant is not present in population databases (gnomAD no frequency). This sequence change replaces glycine, which is neutral and non-polar, with valine, which is neutral and non-polar, at codon 473 of the RNF43 protein (p.Gly473Val).

NM_017763.6(RNF43):c.1418G>T (p.Gly473Val)

Gene: RNF43 (ring finger protein 43; minus strand). Cytogenetic location: 17q22.
Variant type: single nucleotide variant.
Coding change: c.1418G>T on transcript NM_017763.6 (MANE Select); coding-DNA position 1418, G replaced by T.
Protein change: p.Gly473Val; replaces glycine 473 with valine.
Molecular consequence: missense variant.
Genome position (GRCh38, 1-based): chr17:58,358,358, C>A on the plus strand (G>T on the coding strand, the complement: RNF43 is on the minus strand). VCF-style: chr17-58358358-C-A. GRCh37 (hg19) VCF-style: chr17-56435719-C-A.
Other names: c.1418G>T, p.Gly473Val (NM_001305544.3); c.1037G>T, p.Gly346Val (NM_001305545.2); short protein forms G346V, G473V.
Identifiers: ClinVar variation 2851456 (VCV002851456.3), dbSNP rs1972747627, ClinGen allele CA400329931.
Genomic context (GRCh38, chr17:58,358,358, plus strand): 5'-CTGCCATGGACCCCCTGTAGGCTGATGTCCGTGCAGTTGACCACAGAGTCACTGGAAGAG[C>A]CATGACAGGGCCCTGAGCTGGAGTCACTGGCTGGCCCATCTGCCAGGTACCCACTGCGTT-3'
Protein context (NP_060233.3, residues 463-483): ASDSSSGPCH[Gly473Val]SSSDSVVNCT